The following is an entry in ClinVar:

ClinVar aggregate classification (germline): Likely benign (1 of 4 stars; one submission).

Conditions:
Zimmermann-Laband syndrome 1 (ZLS1). Identifiers: Orphanet 3473, MedGen C4551773, MONDO:0024526, OMIM 135500.
Temple-Baraitser syndrome (TMBTS). Also called: Severe mental retardation and absent nails of hallux and pollex. Identifiers: Orphanet 420561, MedGen C2678486, MONDO:0012735, OMIM 611816.

Allele frequency attached by ClinVar (database versions not stated): TOPMed below 0.00001.

Submission:

Labcorp Genetics (formerly Invitae), Labcorp
Classification: Likely benign. Last evaluated: 2026-01-05. Review status: criteria provided, single submitter. Criteria: Invitae Variant Classification Sherloc (09022015). Collection method: clinical testing. Allele origin: germline.

NM_172362.3(KCNH1):c.2829A>C (p.Lys943Asn)

Gene: KCNH1 (potassium voltage-gated channel subfamily H member 1; minus strand). Cytogenetic location: 1q32.2.
Variant type: single nucleotide variant.
Coding change: c.2829A>C on transcript NM_172362.3 (MANE Select); coding-DNA position 2829, A replaced by C.
Protein change: p.Lys943Asn; replaces lysine 943 with asparagine.
Molecular consequence: missense variant.
Genome position (GRCh38, 1-based): chr1:210,683,422, T>G on the plus strand (A>C on the coding strand, the complement: KCNH1 is on the minus strand). VCF-style: chr1-210683422-T-G. GRCh37 (hg19) VCF-style: chr1-210856764-T-G.
Other names: c.2748A>C, p.Lys916Asn (NM_002238.4); c.2829A>C (NM_172362.2); short protein forms K916N, K943N.
Identifiers: ClinVar variation 1919735 (VCV001919735.6), dbSNP rs1681323784, ClinGen allele CA344870341.
Genomic context (GRCh38, chr1:210,683,422, plus strand): 5'-GGATCTTCTGGAAGTTAATATCCTGAGTATCTCAGAGAGCTGTTTCTCAATATTGGTCAT[T>G]TTGGCGTTTAAGGCCTTGATGTCCTCCTTCAGCTCGTGCCTCACCTCCAGGACTGTGGCC-3'
Protein context (NP_758872.1, residues 933-953): LKEDIKALNA[Lys943Asn]MTNIEKQLSE